The following is an entry in ClinVar:

NM_177972.3(TUB):c.406G>A (p.Gly136Arg)

Genes: RIC3 (RIC3 acetylcholine receptor chaperone; minus strand), TUB (TUB bipartite transcription factor; plus strand). Cytogenetic location: 11p15.4.
Variant type: single nucleotide variant.
Coding change: c.406G>A on transcript NM_177972.3 (MANE Select); coding-DNA position 406, G replaced by A.
Protein change: p.Gly136Arg; replaces glycine 136 with arginine.
Molecular consequence: missense variant.
Genome position (GRCh38, 1-based): chr11:8,095,506, G>A. VCF-style: chr11-8095506-G-A. GRCh37 (hg19) VCF-style: chr11-8117053-G-A.
Other names: c.571G>A, p.Gly191Arg (NM_003320.5); short protein forms G136R, G191R.
Identifiers: ClinVar variation 852997 (VCV000852997.10), dbSNP rs761030269, ClinGen allele CA5871095.

ClinVar aggregate classification (germline): Uncertain significance. Review status: criteria provided, multiple submitters, no conflicts (2 of 4 stars). 4 submissions from 4 submitters: Uncertain significance (3). 1 of the submissions does not count toward it. Last evaluated 2025-08-24.

Conditions:
TUB-related disorder. Also called: TUB-related condition.

Allele frequency attached by ClinVar (database versions not stated): ExAC 0.00003; TOPMed 0.00009; gnomAD 0.00010 and 0.00009; gnomAD exomes 0.00006 and 0.00012.
gnomAD v4.1: 180 of 1,608,706 alleles (0.011%); highest among the groups gnomAD compares: Non-Finnish European, 0.014%; no homozygotes.

Submissions (4):

Ambry Genetics
Classification: Uncertain significance. Last evaluated: 2025-08-24. Review status: criteria provided, single submitter. Criteria: Ambry Variant Classification Scheme 2023. Collection method: clinical testing. Allele origin: germline.

Labcorp Genetics (formerly Invitae), Labcorp
Classification: Uncertain significance. Last evaluated: 2025-07-28. Review status: criteria provided, single submitter. Criteria: Invitae Variant Classification Sherloc (09022015). Collection method: clinical testing. Allele origin: germline.
Comment: This sequence change replaces glycine, which is neutral and non-polar, with arginine, which is basic and polar, at codon 191 of the TUB protein (p.Gly191Arg). This variant is present in population databases (rs761030269, gnomAD 0.02%). This missense change has been observed in individual(s) with high myopia (PMID: 35567543). ClinVar contains an entry for this variant (Variation ID: 852997). An algorithm developed to predict the effect of missense changes on protein structure and function (PolyPhen-2) suggests that this variant is likely to be tolerated. In summary, the available evidence is currently insufficient to determine the role of this variant in disease. Therefore, it has been classified as a Variant of Uncertain Significance.

Blueprint Genetics
Classification: Uncertain significance. Last evaluated: 2021-11-26. Review status: criteria provided, single submitter. Criteria: ACMG Guidelines, 2015. Collection method: clinical testing. Allele origin: germline.

PreventionGenetics, part of Exact Sciences
Classification: Uncertain significance for TUB-related condition. Last evaluated: 2024-01-22. Review status: no assertion criteria provided. Collection method: clinical testing. Allele origin: germline. Not counted in ClinVar's aggregate classification.
Comment: The TUB c.571G>A variant is predicted to result in the amino acid substitution p.Gly191Arg. This variant was reported as a variant of uncertain significance, in compound heterozygosity with a pathogenic TUB variant, in a patient with high myopia (Haarman et al. 2022. PubMed ID: 35567543). This variant is reported in 0.021% of alleles in individuals of African descent in gnomAD. At this time, the clinical significance of this variant is uncertain due to the absence of conclusive functional and genetic evidence.

Literature cited by the submitters: PubMed 35567543 (cited by Labcorp Genetics (formerly Invitae), Labcorp).